The following is an entry in ClinVar:

NM_004525.3(LRP2):c.7730G>A (p.Arg2577His)

Gene: LRP2 (LDL receptor related protein 2; minus strand). Cytogenetic location: 2q31.1.
Variant type: single nucleotide variant.
Coding change: c.7730G>A on transcript NM_004525.3 (MANE Select); coding-DNA position 7730, G replaced by A.
Protein change: p.Arg2577His; replaces arginine 2577 with histidine.
Molecular consequence: missense variant.
Genome position (GRCh38, 1-based): chr2:169,204,257, C>T on the plus strand (G>A on the coding strand, the complement: LRP2 is on the minus strand). VCF-style: chr2-169204257-C-T. GRCh37 (hg19) VCF-style: chr2-170060767-C-T.
Other names: short protein forms R2577H.
Identifiers: ClinVar variation 2029168 (VCV002029168.4), dbSNP rs140570788, ClinGen allele CA1954015.

ClinVar aggregate classification (germline): Uncertain significance (1 of 4 stars; one submission).

Allele frequency attached by ClinVar (database versions not stated): gnomAD exomes below 0.00001; TOPMed below 0.00001; gnomAD 0.00001; ExAC 0.00003; ESP Exome Variant Server 0.00008.
gnomAD v4.1: 7 of 1,612,934 alleles (0.00043%); highest among the groups gnomAD compares: African/African-American, 0.0013%; no homozygotes.

Submission:

Labcorp Genetics (formerly Invitae), Labcorp
Classification: Uncertain significance. Last evaluated: 2022-10-24. Review status: criteria provided, single submitter. Criteria: Invitae Variant Classification Sherloc (09022015). Collection method: clinical testing. Allele origin: germline.
Comment: In summary, the available evidence is currently insufficient to determine the role of this variant in disease. Therefore, it has been classified as a Variant of Uncertain Significance. This sequence change replaces arginine, which is basic and polar, with histidine, which is basic and polar, at codon 2577 of the LRP2 protein (p.Arg2577His). This variant is present in population databases (rs140570788, gnomAD 0.004%). This variant has not been reported in the literature in individuals affected with LRP2-related conditions. Advanced modeling of protein sequence and biophysical properties (such as structural, functional, and spatial information, amino acid conservation, physicochemical variation, residue mobility, and thermodynamic stability) performed at Invitae indicates that this missense variant is expected to disrupt LRP2 protein function.